The following is an entry in ClinVar:

NM_020937.4(FANCM):c.4500A>T (p.Arg1500Ser)

Gene: FANCM (FA complementation group M; plus strand). Cytogenetic location: 14q21.2.
Variant type: single nucleotide variant.
Coding change: c.4500A>T on transcript NM_020937.4 (MANE Select); coding-DNA position 4500, A replaced by T.
Protein change: p.Arg1500Ser; replaces arginine 1500 with serine.
Molecular consequence: missense variant.
Genome position (GRCh38, 1-based): chr14:45,183,887, A>T. VCF-style: chr14-45183887-A-T. GRCh37 (hg19) VCF-style: chr14-45653090-A-T.
Other names: c.4422A>T, p.Arg1474Ser (NM_001308133.2); short protein forms R1474S, R1500S.
Identifiers: ClinVar variation 4022849 (VCV004022849.1).
Genomic context (GRCh38, chr14:45,183,887, plus strand): 5'-ATTAGAAGACTTCAAGGTTTGTAACGGGAATGCCAGAAGAGGCATCAAAGTCCCAAAGAG[A>T]CAGAGTCACTTAAAGGTAATCTTTTTTTTAGTTTCTTTAAATATGTATGCATTTTATCAG-3'
Protein context (NP_065988.1, residues 1490-1510): NARRGIKVPK[Arg1500Ser]QSHLKHVARK

ClinVar aggregate classification (germline): Uncertain significance (1 of 4 stars; one submission).

Conditions:
Inborn genetic diseases. Identifiers: MedGen C0950123, MeSH D030342.

Submission:

Ambry Genetics
Classification: Uncertain significance for Inborn genetic diseases. Last evaluated: 2025-06-03. Review status: criteria provided, single submitter. Criteria: Ambry Variant Classification Scheme 2023. Collection method: clinical testing. Allele origin: germline.
Comment: The p.R1500S variant (also known as c.4500A>T), located in coding exon 17 of the FANCM gene, results from an A to T substitution at nucleotide position 4500. The arginine at codon 1500 is replaced by serine, an amino acid with dissimilar properties. This amino acid position is conserved. In addition, this alteration is predicted to be tolerated by in silico analysis. Based on the available evidence, the clinical significance of this variant remains unclear.